The following is an entry in ClinVar:

ClinVar aggregate classification (germline): Likely pathogenic (1 of 4 stars; one submission).

Conditions:
Microcephaly, normal intelligence and immunodeficiency (NBS). Also called: Immunodeficiency, microcephaly with normal intelligence; SEEMANOVA SYNDROME II; Nijmegen breakage syndrome; Microcephaly with normal intelligence immunodeficiency and lymphoreticular malignancies; Nonsyndromal microcephaly autosomal recessive with normal intelligence; Seemanova syndrome 2. Identifiers: Orphanet 647, MedGen C0398791, MONDO:0009623, OMIM 251260.

Allele frequency attached by ClinVar (database versions not stated): gnomAD exomes below 0.00001; ExAC 0.00001.
gnomAD v4.1: 4 of 1,602,240 alleles (0.00025%); highest among the groups gnomAD compares: Admixed American, 0.0017%; no homozygotes.

Submission:

Labcorp Genetics (formerly Invitae), Labcorp
Classification: Likely pathogenic for Microcephaly, normal intelligence and immunodeficiency. Last evaluated: 2025-02-16. Review status: criteria provided, single submitter. Criteria: Invitae Variant Classification Sherloc (09022015). Collection method: clinical testing. Allele origin: germline.
Comment: This sequence change affects a donor splice site in intron 7 of the NBN gene. It is expected to disrupt RNA splicing. Variants that disrupt the donor or acceptor splice site typically lead to a loss of protein function (PMID: 16199547), and loss-of-function variants in NBN are known to be pathogenic (PMID: 9590180, 16415040). This variant is present in population databases (rs778306619, gnomAD 0.003%). This variant has not been reported in the literature in individuals affected with NBN-related conditions. ClinVar contains an entry for this variant (Variation ID: 630223). Algorithms developed to predict the effect of sequence changes on RNA splicing suggest that this variant may disrupt the consensus splice site. In summary, the currently available evidence indicates that the variant is pathogenic, but additional data are needed to prove that conclusively. Therefore, this variant has been classified as Likely Pathogenic.

Literature cited by the submitters: PubMed 16199547; PubMed 9590180; PubMed 16415040.

NM_002485.5(NBN):c.896+1G>T

Gene: NBN (nibrin; minus strand). Cytogenetic location: 8q21.3.
Variant type: single nucleotide variant.
Coding change: c.896+1G>T on transcript NM_002485.5 (MANE Select); the canonical splice donor site of the intron after coding-DNA position 896, G replaced by T.
Molecular consequence: splice donor variant.
Genome position (GRCh38, 1-based): chr8:89,970,363, C>A on the plus strand (G>T on the coding strand, the complement: NBN is on the minus strand). VCF-style: chr8-89970363-C-A. GRCh37 (hg19) VCF-style: chr8-90982591-C-A.
Other names: c.650+1G>T (NM_001024688.3).
Identifiers: ClinVar variation 630223 (VCV000630223.11), dbSNP rs778306619, ClinGen allele CA4802876.